The following is an entry in ClinVar:

NM_000059.4(BRCA2):c.6315dup (p.Leu2106fs)

Gene: BRCA2 (BRCA2 DNA repair associated; plus strand). Cytogenetic location: 13q13.1.
Variant type: Duplication.
Coding change: c.6315dup on transcript NM_000059.4 (MANE Select); coding-DNA position 6315, one base duplicated (A; older notation c.6315dupA).
Protein change: p.Leu2106fs; shifts the reading frame from leucine 2106.
Molecular consequence: frameshift variant.
Genome position (GRCh38, 1-based): chr13:32,340,670, A duplicated. VCF-style (leftmost placement, unchanged base first): chr13-32340669-T-TA. GRCh37 (hg19) VCF-style: chr13-32914806-T-TA.
Other names: short protein forms L2106fs.
Identifiers: ClinVar variation 1074915 (VCV001074915.7), dbSNP rs2137526306, ClinGen allele CA2499222228.

ClinVar aggregate classification (germline): Pathogenic (1 of 4 stars; one submission).

Conditions:
Hereditary breast ovarian cancer syndrome. Also called: Hereditary breast and ovarian cancer; Breast and ovarian cancer; BRCA1- and BRCA2-Associated Hereditary Breast and Ovarian Cancer; Hereditary breast and/or ovarian cancer syndrome; Hereditary breast and ovarian cancer syndrome; Hereditary breast and ovarian cancer syndrome (HBOC). Identifiers: Orphanet 145, MedGen C0677776, MeSH D061325, MONDO:0003582. Disease mechanism: loss of function.

Submission:

Labcorp Genetics (formerly Invitae), Labcorp
Classification: Pathogenic for Hereditary breast ovarian cancer syndrome. Last evaluated: 2020-10-04. Review status: criteria provided, single submitter. Criteria: Invitae Variant Classification Sherloc (09022015). Collection method: clinical testing. Allele origin: germline.
Comment: For these reasons, this variant has been classified as Pathogenic. Loss-of-function variants in BRCA2 are known to be pathogenic (PMID: 20104584). This variant has not been reported in the literature in individuals with BRCA2-related conditions. This variant is not present in population databases (ExAC no frequency). This sequence change creates a premature translational stop signal (p.Leu2106Thrfs*5) in the BRCA2 gene. It is expected to result in an absent or disrupted protein product.

Literature cited by the submitters: PubMed 20104584.